The following is an entry in ClinVar:

NM_000038.6(APC):c.7771C>G (p.His2591Asp)

Gene: APC (APC regulator of Wnt signaling pathway; plus strand). Cytogenetic location: 5q22.2.
Variant type: single nucleotide variant.
Coding change: c.7771C>G on transcript NM_000038.6 (MANE Select); coding-DNA position 7771, C replaced by G.
Protein change: p.His2591Asp; replaces histidine 2591 with aspartic acid.
Molecular consequence: missense variant.
Genome position (GRCh38, 1-based): chr5:112,843,365, C>G. VCF-style: chr5-112843365-C-G. GRCh37 (hg19) VCF-style: chr5-112179062-C-G.
Other names: c.7771C>G, p.His2591Asp (NM_001127510.3, NM_001354895.2); c.7717C>G, p.His2573Asp (NM_001127511.3); c.7825C>G, p.His2609Asp (NM_001354896.2); c.7801C>G, p.His2601Asp (NM_001354897.2); c.7696C>G, p.His2566Asp (NM_001354898.2); c.7687C>G, p.His2563Asp (NM_001354899.2); c.7648C>G, p.His2550Asp (NM_001354900.2); c.7594C>G, p.His2532Asp (NM_001354901.2); and 5 more; short protein forms H2573D, H2591D, H2431D, H2500D, H2308D, H2490D, H2465D, H2532D.
Identifiers: ClinVar variation 428129 (VCV000428129.8), dbSNP rs1114167572, ClinGen allele CA16038213.

ClinVar aggregate classification (germline): Uncertain significance. Review status: criteria provided, multiple submitters, no conflicts (2 of 4 stars). 2 submissions from 2 submitters: Uncertain significance (2). Last evaluated 2025-12-13.

Conditions:
Familial adenomatous polyposis 1 (FAP1). Also called: FAMILIAL ADENOMATOUS POLYPOSIS 1, ATTENUATED; POLYPOSIS, ADENOMATOUS INTESTINAL. Identifiers: MedGen C2713442, MONDO:0021056, OMIM 175100. Disease mechanism: loss of function.
Hereditary cancer-predisposing syndrome. Also called: Hereditary Cancer Syndrome; Neoplastic Syndromes, Hereditary; Hereditary neoplastic syndrome; Tumor predisposition. Identifiers: Orphanet 140162, MedGen C0027672, MeSH D009386, MONDO:0015356.

Submissions (2):

Labcorp Genetics (formerly Invitae), Labcorp
Classification: Uncertain significance for Familial adenomatous polyposis 1. Last evaluated: 2025-12-13. Review status: criteria provided, single submitter. Criteria: Invitae Variant Classification Sherloc (09022015). Collection method: clinical testing. Allele origin: germline.
Comment: This sequence change replaces histidine, which is basic and polar, with aspartic acid, which is acidic and polar, at codon 2591 of the APC protein (p.His2591Asp). This variant is not present in population databases (gnomAD no frequency). This variant has not been reported in the literature in individuals affected with APC-related conditions. ClinVar contains an entry for this variant (Variation ID: 428129). Invitae Evidence Modeling of protein sequence and biophysical properties (such as structural, functional, and spatial information, amino acid conservation, physicochemical variation, residue mobility, and thermodynamic stability) indicates that this missense variant is not expected to disrupt APC protein function with a negative predictive value of 95%. In summary, the available evidence is currently insufficient to determine the role of this variant in disease. Therefore, it has been classified as a Variant of Uncertain Significance.

Ambry Genetics
Classification: Uncertain significance for Hereditary cancer-predisposing syndrome. Last evaluated: 2015-03-04. Review status: criteria provided, single submitter. Criteria: Ambry Variant Classification Scheme 2023. Collection method: clinical testing. Allele origin: germline.
Comment: The p.H2591D variant (also known as c.7771C>G), located in coding exon 15 of the APC gene, results from a C to G substitution at nucleotide position 7771. The histidine at codon 2591 is replaced by aspartic acid, an amino acid with similar properties. This variant was not reported in population based cohorts in the following databases: Database of Single Nucleotide Polymorphisms (dbSNP), NHLBI Exome Sequencing Project (ESP), and 1000 Genomes Project. In the ESP, this variant was not observed in 6502 samples (13004 alleles) with coverage at this position. To date, this alteration has been detected with an allele frequency of approximately 0.005% (greater than 21000 alleles tested) in our clinical cohort. This amino acid position is moderately conserved in available vertebrate species. In addition, in silico predictors for this gene do not accurately predict pathogenicity. Since supporting evidence is limited at this time, the clinical significance of p.H2591D remains unclear.